The following is an entry in ClinVar:

ClinVar aggregate classification (germline): Pathogenic/Likely pathogenic. Review status: criteria provided, multiple submitters, no conflicts (2 of 4 stars). 4 submissions from 4 submitters: Pathogenic (2); Likely pathogenic (2). Last evaluated 2026-02-24.

Conditions:
Hereditary nonpolyposis colorectal neoplasms. Identifiers: MedGen C0009405, MeSH D003123.
Hereditary cancer-predisposing syndrome. Also called: Tumor predisposition; Hereditary neoplastic syndrome; Hereditary Cancer Syndrome; Neoplastic Syndromes, Hereditary. Identifiers: Orphanet 140162, MedGen C0027672, MeSH D009386, MONDO:0015356.
Lynch syndrome 5 (LYNCH5). Also called: Hereditary non-polyposis colorectal cancer, type 5; Colorectal cancer, hereditary nonpolyposis, type 5. Identifiers: Orphanet 144, MedGen C1833477, MONDO:0013710, OMIM 614350. Disease mechanism: loss of function.

Submissions (4):

Ambry Genetics
Classification: Likely pathogenic for Hereditary cancer-predisposing syndrome. Last evaluated: 2026-02-24. Review status: criteria provided, single submitter. Criteria: Ambry Variant Classification Scheme 2023. Collection method: clinical testing. Allele origin: germline.
Comment: The c.3922_3938dup17 variant, located in coding exon 9 of the MSH6 gene, results from a duplication of CTCCCAGAGGAAGTTAT at nucleotide position 3922, causing a translational frameshift with a predicted alternate stop codon (p.Q1314Sfs*19). This variant occurs at the 3' terminus of the gene, is not expected to trigger nonsense-mediated mRNA decay, and impacts the last 3.9% of the protein. However, premature stop codons are typically deleterious in nature and the impacted region is critical for protein function (Ambry internal data). This variant is considered to be rare based on population cohorts in the Genome Aggregation Database (gnomAD). Based on the majority of available evidence to date, this variant is likely to be pathogenic.

Labcorp Genetics (formerly Invitae), Labcorp
Classification: Pathogenic for Hereditary nonpolyposis colorectal neoplasms. Last evaluated: 2025-05-25. Review status: criteria provided, single submitter. Criteria: Invitae Variant Classification Sherloc (09022015). Collection method: clinical testing. Allele origin: germline.
Comment: This sequence change creates a premature translational stop signal (p.Gln1314Serfs*19) in the MSH6 gene. While this is not anticipated to result in nonsense mediated decay, it is expected to disrupt the last 47 amino acid(s) of the MSH6 protein. This variant is not present in population databases (gnomAD no frequency). This variant has not been reported in the literature in individuals affected with MSH6-related conditions. ClinVar contains an entry for this variant (Variation ID: 979068). This variant disrupts a region of the MSH6 protein in which other variant(s) (p.Arg1334Serfs*7) have been determined to be pathogenic (internal data). This suggests that this is a clinically significant region of the protein, and that variants that disrupt it are likely to be disease-causing. For these reasons, this variant has been classified as Pathogenic.

Myriad Genetics, Inc.
Classification: Pathogenic for Lynch syndrome 5. Last evaluated: 2023-08-28. Review status: criteria provided, single submitter. Criteria: Myriad Autosomal Dominant, Autosomal Recessive and X-Linked Classification Criteria (2023). Collection method: clinical testing. Allele origin: unknown.
Comment: This variant is considered pathogenic. This variant creates a frameshift predicted to result in premature protein truncation.

Human Genome Sequencing Center Clinical Lab, Baylor College of Medicine
Classification: Likely pathogenic for Hereditary non-polyposis colorectal cancer, type 5. Last evaluated: 2019-02-21. Review status: criteria provided, single submitter. Criteria: ACMG Guidelines, 2015. Collection method: clinical testing. Allele origin: germline.
Comment: The c.3922_3938dup (p.Gln1314Serfs*19) variant in the MSH6 gene is predicted to introduce a premature translational termination codon and has never been observed in general population databases. Therefore, we classify this c.3922_3938dup (p.Gln1314Serfs*19) variant in the MSH6 gene as likely pathogenic.

NM_000179.3(MSH6):c.3922_3938dup (p.Gln1314fs)

Gene: MSH6 (mutS homolog 6; plus strand). Cytogenetic location: 2p16.3.
Variant type: Duplication.
Coding change: c.3922_3938dup on transcript NM_000179.3 (MANE Select); coding-DNA positions 3922 to 3938, 17 bases duplicated (CTCCCAGAGGAAGTTAT).
Protein change: p.Gln1314fs; shifts the reading frame from glutamine 1314.
Molecular consequence: frameshift variant.
Genome position (GRCh38, 1-based): chr2:47,806,572-47,806,588, CTCCCAGAGGAAGTTAT duplicated; duplicating any 17 consecutive bases within chr2:47,806,570-47,806,588 gives the same sequence; the c. name uses the placement nearest the transcript's 3' end. VCF-style (leftmost placement, unchanged base first): chr2-47806569-A-AATCTCCCAGAGGAAGTT. GRCh37 (hg19) VCF-style: chr2-48033708-A-AATCTCCCAGAGGAAGTT.
Other names: c.3532_3548dup, p.Gln1184fs (NM_001281492.2); c.3016_3032dup, p.Gln1012fs (NM_001281493.2, NM_001281494.2); short protein forms Q1012fs, Q1184fs, Q1314fs.
Identifiers: ClinVar variation 979068 (VCV000979068.5), dbSNP rs1670123011, ClinGen allele CA913188041.